The following is an entry in ClinVar:

ClinVar aggregate classification (germline): Likely benign. Review status: criteria provided, single submitter (1 of 4 stars). 2 submissions from 2 submitters: Likely benign (1). 1 of the submissions does not count toward it. Last evaluated 2025-12-23.

Conditions:
TBX3-related disorder. Also called: TBX3-related condition.
Ulnar-mammary syndrome (UMS). Also called: PALLISTER ULNAR-MAMMARY SYNDROME; Ulnar-mammary syndrome of Pallister; SCHINZEL SYNDROME. Identifiers: Orphanet 3138, MedGen C1866994, MONDO:0008411, OMIM 181450.

Allele frequency attached by ClinVar (database versions not stated): gnomAD exomes 0.00005; ExAC 0.00009.
gnomAD v4.1: 51 of 1,570,012 alleles (0.0032%); highest among the groups gnomAD compares: Middle Eastern, 0.067%; no homozygotes.

Submissions (2):

Labcorp Genetics (formerly Invitae), Labcorp
Classification: Likely benign for Ulnar-mammary syndrome. Last evaluated: 2025-12-23. Review status: criteria provided, single submitter. Criteria: Invitae Variant Classification Sherloc (09022015). Collection method: clinical testing. Allele origin: germline.

PreventionGenetics, part of Exact Sciences
Classification: Likely benign for TBX3-related condition. Last evaluated: 2022-01-17. Review status: no assertion criteria provided. Collection method: clinical testing. Allele origin: germline. Not counted in ClinVar's aggregate classification.
Comment: This variant is classified as likely benign based on ACMG/AMP sequence variant interpretation guidelines (Richards et al. 2015 PMID: 25741868, with internal and published modifications).

NM_005996.4(TBX3):c.1890G>A (p.Pro630=)

Gene: TBX3 (T-box transcription factor 3; minus strand). Cytogenetic location: 12q24.21.
Variant type: single nucleotide variant.
Coding change: c.1890G>A on transcript NM_005996.4 (MANE Select); coding-DNA position 1890, G replaced by A.
Protein change: p.Pro630=; no amino-acid change (proline 630 retained).
Molecular consequence: synonymous variant.
Genome position (GRCh38, 1-based): chr12:114,672,123, C>T on the plus strand (G>A on the coding strand, the complement: TBX3 is on the minus strand). VCF-style: chr12-114672123-C-T. GRCh37 (hg19) VCF-style: chr12-115109928-C-T.
Other names: c.1950G>A (NM_016569.3); c.1950G>A, p.Pro650= (NM_016569.4).
Identifiers: ClinVar variation 1435463 (VCV001435463.6), dbSNP rs765657055, ClinGen allele CA6809829.